The following is an entry in ClinVar:

ClinVar aggregate classification (germline): Uncertain significance (1 of 4 stars; one submission).

Conditions:
Gorlin syndrome. Also called: Basal cell nevus syndrome; Nevoid Basal Cell Carcinoma Syndrome. Identifiers: Orphanet 377, MedGen C0004779, MONDO:0007187.

Allele frequency attached by ClinVar (database versions not stated): gnomAD exomes below 0.00001.
gnomAD v4.1: 1 of 1,614,048 alleles (0.000062%); highest among the groups gnomAD compares: East Asian, 0.0022%; no homozygotes.

Submission:

Labcorp Genetics (formerly Invitae), Labcorp
Classification: Uncertain significance for Gorlin syndrome. Last evaluated: 2025-04-21. Review status: criteria provided, single submitter. Criteria: Invitae Variant Classification Sherloc (09022015). Collection method: clinical testing. Allele origin: germline.
Comment: This sequence change replaces glutamine, which is neutral and polar, with arginine, which is basic and polar, at codon 1137 of the PTCH2 protein (p.Gln1137Arg). This variant is not present in population databases (gnomAD no frequency). This variant has not been reported in the literature in individuals affected with PTCH2-related conditions. ClinVar contains an entry for this variant (Variation ID: 1514249). An algorithm developed to predict the effect of missense changes on protein structure and function outputs the following: PolyPhen-2: "Benign". The arginine amino acid residue is found in multiple mammalian species, which suggests that this missense change does not adversely affect protein function. In summary, the available evidence is currently insufficient to determine the role of this variant in disease. Therefore, it has been classified as a Variant of Uncertain Significance.

NM_003738.5(PTCH2):c.3410A>G (p.Gln1137Arg)

Gene: PTCH2 (patched 2; minus strand). Cytogenetic location: 1p34.1.
Variant type: single nucleotide variant.
Coding change: c.3410A>G on transcript NM_003738.5 (MANE Select); coding-DNA position 3410, A replaced by G.
Protein change: p.Gln1137Arg; replaces glutamine 1137 with arginine.
Molecular consequence: missense variant.
Genome position (GRCh38, 1-based): chr1:44,822,617, T>C on the plus strand (A>G on the coding strand, the complement: PTCH2 is on the minus strand). VCF-style: chr1-44822617-T-C. GRCh37 (hg19) VCF-style: chr1-45288289-T-C.
Other names: c.3410A>G, p.Gln1137Arg (NM_001166292.2); short protein forms Q1137R.
Identifiers: ClinVar variation 1514249 (VCV001514249.8), dbSNP rs1652957871, ClinGen allele CA340105669.
Genomic context (GRCh38, chr1:44,822,617, plus strand): 5'-GTCACTCTGGCAAAGCTCTGGGGCAGGGAGGAGGATGCCCCCCACCTAAGCCCGCCTCCC[T>C]GTGGAGCTGGTGGACTCAGGATCTCTGGGCTTTCCTTGTACATCTGTATCACCTGTGGGG-3'
Protein context (NP_003729.3, residues 1127-1147): SPEILSPPAP[Gln1137Arg]GGGLRWGASS